The following is an entry in ClinVar:

ClinVar aggregate classification (germline): Benign/Likely benign. Review status: criteria provided, multiple submitters, no conflicts (2 of 4 stars). 3 submissions from 3 submitters: Benign (1); Likely benign (2). Last evaluated 2026-05-16.

Conditions:
Hereditary cancer-predisposing syndrome. Also called: Neoplastic Syndromes, Hereditary; Tumor predisposition; Hereditary Cancer Syndrome; Hereditary neoplastic syndrome. Identifiers: Orphanet 140162, MedGen C0027672, MeSH D009386, MONDO:0015356.
Renal cell carcinoma. Identifiers: Orphanet 217071, MedGen C0007134, MeSH D002292, MONDO:0005086, HP:0005584.
Papillary renal cell carcinoma type 1 (RCCP1). Also called: RENAL CELL CARCINOMA, PAPILLARY, 1, SOMATIC; Renal adenocarcinoma; Renal cell carcinoma 1; Renal cell carcinoma, somatic. Identifiers: Orphanet 47044, MedGen C1336839, OMIM 605074, HP:0011797.

Submissions (3):

Ambry Genetics
Classification: Likely benign for Hereditary cancer-predisposing syndrome. Last evaluated: 2026-05-16. Review status: criteria provided, single submitter. Criteria: Ambry Variant Classification Scheme 2023. Collection method: clinical testing. Allele origin: germline.

Myriad Genetics, Inc.
Classification: Benign for Papillary renal cell carcinoma type 1. Last evaluated: 2024-11-05. Review status: criteria provided, single submitter. Criteria: Myriad Autosomal Dominant, Autosomal Recessive and X-Linked Classification Criteria (2023). Collection method: clinical testing. Allele origin: unknown.
Comment: This variant is considered benign. This variant is a silent/synonymous amino acid change and it is not expected to impact splicing.

Labcorp Genetics (formerly Invitae), Labcorp
Classification: Likely benign for Renal cell carcinoma. Last evaluated: 2023-08-25. Review status: criteria provided, single submitter. Criteria: Invitae Variant Classification Sherloc (09022015). Collection method: clinical testing. Allele origin: germline.

NM_000245.4(MET):c.12C>G (p.Pro4=)

Gene: MET (MET proto-oncogene, receptor tyrosine kinase; plus strand). Cytogenetic location: 7q31.2.
Variant type: single nucleotide variant.
Coding change: c.12C>G on transcript NM_000245.4 (MANE Select); coding-DNA position 12, C replaced by G.
Protein change: p.Pro4=; no amino-acid change (proline 4 retained).
Molecular consequence: synonymous variant. On other transcripts: intron variant (1).
Genome position (GRCh38, 1-based): chr7:116,699,096, C>G. VCF-style: chr7-116699096-C-G. GRCh37 (hg19) VCF-style: chr7-116339150-C-G.
Other names: c.12C>G, p.Pro4= (NM_001127500.3, NM_001324401.3); c.-91+26519C>G (NM_001324402.2); c.12C>G (NM_001127500.1).
Identifiers: ClinVar variation 1143886 (VCV001143886.11), dbSNP rs772251895, ClinGen allele CA457443550.